The following is an entry in ClinVar:

NM_002691.4(POLD1):c.1892+1del

Gene: POLD1 (DNA polymerase delta 1, catalytic subunit; plus strand). Cytogenetic location: 19q13.33.
Variant type: Deletion.
Coding change: c.1892+1del on transcript NM_002691.4 (MANE Select); the canonical splice donor site of the intron after coding-DNA position 1892, one base deleted (G; older notation c.1892+1delG).
Molecular consequence: splice donor variant.
Genome position (GRCh38, 1-based): chr19:50,408,902, G deleted; the last of 4 consecutive G bases (chr19:50,408,899-50,408,902); deleting any one gives the same sequence. VCF-style (leftmost placement, unchanged base first): chr19-50408898-TG-T. GRCh37 (hg19) VCF-style: chr19-50912155-TG-T.
Other names: c.1892+1del (NM_001256849.1); c.1970+1del (NM_001308632.1).
Identifiers: ClinVar variation 1520460 (VCV001520460.8), dbSNP rs2122370786, ClinGen allele CA2573156699.

ClinVar aggregate classification (germline): Uncertain significance (1 of 4 stars; one submission).

Conditions:
POLD1-related polyposis and colorectal cancer syndrome (CRCS10). Also called: Colorectal cancer 10; COLORECTAL CANCER, SUSCEPTIBILITY TO, ON CHROMOSOME 19q; Colorectal cancer, susceptibility to, 10. Identifiers: Orphanet 220460, MedGen C2675481, MONDO:0012953, OMIM 612591.

Submission:

Labcorp Genetics (formerly Invitae), Labcorp
Classification: Uncertain significance for POLD1-related polyposis and colorectal cancer syndrome. Last evaluated: 2021-03-27. Review status: criteria provided, single submitter. Criteria: Invitae Variant Classification Sherloc (09022015). Collection method: clinical testing. Allele origin: germline.
Comment: Algorithms developed to predict the effect of sequence changes on RNA splicing suggest that this variant may disrupt the consensus splice site, but this prediction has not been confirmed by published transcriptional studies. Missense variants that disrupt the 3'-5' exonuclease (proof-reading) activity of the POLD1 protein are associated with an increased risk for colonic adenomatous polyps and colon cancer (PMID: 23263490, 23447401). However, loss-of-function variants which result in an absent or severely disrupted POLD1 protein, and missense variants outside the exonuclease domain, are unlikely to be associated with polyposis or colon cancer. Without further clinical and genetic evidence, this variant has been classified as a Variant of Uncertain Significance. This variant has not been reported in the literature in individuals with POLD1-related conditions. This variant is not present in population databases (ExAC no frequency). This sequence change creates a premature translational stop signal (p.Gly631Alafs*2) in the POLD1 gene. It is expected to result in an absent or disrupted protein product.

Literature cited by the submitters: PubMed 23263490; PubMed 23447401.